The following is an entry in ClinVar:

NM_001384732.1(CPLANE1):c.4271G>T (p.Arg1424Ile)

Gene: CPLANE1 (ciliogenesis and planar polarity effector complex subunit 1; minus strand). Cytogenetic location: 5p13.2.
Variant type: single nucleotide variant.
Coding change: c.4271G>T on transcript NM_001384732.1 (MANE Select); coding-DNA position 4271, G replaced by T.
Protein change: p.Arg1424Ile; replaces arginine 1424 with isoleucine.
Molecular consequence: missense variant.
Genome position (GRCh38, 1-based): chr5:37,184,998, C>A on the plus strand (G>T on the coding strand, the complement: CPLANE1 is on the minus strand). VCF-style: chr5-37184998-C-A. GRCh37 (hg19) VCF-style: chr5-37185100-C-A.
Other names: c.4271G>T, p.Arg1424Ile (NM_023073.4); short protein forms R1424I.
Identifiers: ClinVar variation 2007199 (VCV002007199.4), dbSNP rs1454898277, ClinGen allele CA359501531.
Genomic context (GRCh38, chr5:37,184,998, plus strand): 5'-TCATCTGGTTTCTCTTCTTCAATTGGTTCCCATATATTCACTTCAAAAGAGCCTATATTT[C>A]TCTGCACACGTTTTAGAGCTTTCACCCTCACTTTCTGGATAGAATGCATGACAACAGACA-3'
Protein context (NP_001371661.1, residues 1414-1434): VRVKALKRVQ[Arg1424Ile]NIGSFEVNIW

ClinVar aggregate classification (germline): Uncertain significance (1 of 4 stars; one submission).

Allele frequency attached by ClinVar (database versions not stated): gnomAD exomes below 0.00001.
gnomAD v4.1: 1 of 1,614,082 alleles (0.000062%); highest among the groups gnomAD compares: Admixed American, 0.0017%; no homozygotes.

Submission:

Labcorp Genetics (formerly Invitae), Labcorp
Classification: Uncertain significance. Last evaluated: 2025-01-06. Review status: criteria provided, single submitter. Criteria: Invitae Variant Classification Sherloc (09022015). Collection method: clinical testing. Allele origin: germline.
Comment: This sequence change replaces arginine, which is basic and polar, with isoleucine, which is neutral and non-polar, at codon 1424 of the CPLANE1 protein (p.Arg1424Ile). This variant is present in population databases (no rsID available, gnomAD no frequency). This variant has not been reported in the literature in individuals affected with CPLANE1-related conditions. ClinVar contains an entry for this variant (Variation ID: 2007199). Invitae Evidence Modeling of protein sequence and biophysical properties (such as structural, functional, and spatial information, amino acid conservation, physicochemical variation, residue mobility, and thermodynamic stability) has been performed for this missense variant. However, the output from this modeling did not meet the statistical confidence thresholds required to predict the impact of this variant on CPLANE1 protein function. In summary, the available evidence is currently insufficient to determine the role of this variant in disease. Therefore, it has been classified as a Variant of Uncertain Significance.